The following is an entry in ClinVar:

NM_001556.3(IKBKB):c.2077A>G (p.Thr693Ala)

Gene: IKBKB (inhibitor of nuclear factor kappa B kinase subunit beta; plus strand). Cytogenetic location: 8p11.21.
Variant type: single nucleotide variant.
Coding change: c.2077A>G on transcript NM_001556.3 (MANE Select); coding-DNA position 2077, A replaced by G.
Protein change: p.Thr693Ala; replaces threonine 693 with alanine.
Molecular consequence: missense variant. On other transcripts: non-coding transcript variant (3).
Genome position (GRCh38, 1-based): chr8:42,326,060, A>G. VCF-style: chr8-42326060-A-G. GRCh37 (hg19) VCF-style: chr8-42183578-A-G.
Other names: c.1885A>G, p.Thr629Ala (NM_001190720.3); c.1900A>G, p.Thr634Ala (NM_001242778.2); short protein forms T629A, T693A, T634A.
Identifiers: ClinVar variation 4768874 (VCV004768874.1).

ClinVar aggregate classification (germline): Uncertain significance (1 of 4 stars; one submission).

Conditions:
Severe combined immunodeficiency due to IKK2 deficiency. Also called: IMMUNODEFICIENCY 15B; Immunodeficiency 15. Identifiers: Orphanet 397787, MedGen C4747743, MONDO:0014267, OMIM 615592.

Submission:

Labcorp Genetics (formerly Invitae), Labcorp
Classification: Uncertain significance for Severe combined immunodeficiency due to IKK2 deficiency. Last evaluated: 2025-10-08. Review status: criteria provided, single submitter. Criteria: Invitae Variant Classification Sherloc (09022015). Collection method: clinical testing. Allele origin: germline.
Comment: This sequence change replaces threonine, which is neutral and polar, with alanine, which is neutral and non-polar, at codon 693 of the IKBKB protein (p.Thr693Ala). This variant is not present in population databases (gnomAD no frequency). This variant has not been reported in the literature in individuals affected with IKBKB-related conditions. Invitae Evidence Modeling of protein sequence and biophysical properties (such as structural, functional, and spatial information, amino acid conservation, physicochemical variation, residue mobility, and thermodynamic stability) indicates that this missense variant is not expected to disrupt IKBKB protein function with a negative predictive value of 95%. In summary, the available evidence is currently insufficient to determine the role of this variant in disease. Therefore, it has been classified as a Variant of Uncertain Significance.